The following is an entry in ClinVar:

NM_001378454.1(ALMS1):c.4G>T (p.Glu2Ter)

Gene: ALMS1 (ALMS1 centrosome and basal body associated protein; plus strand). Cytogenetic location: 2p13.1.
Variant type: single nucleotide variant.
Coding change: c.4G>T on transcript NM_001378454.1 (MANE Select); coding-DNA position 4, G replaced by T.
Protein change: p.Glu2Ter; replaces glutamic acid 2 with a stop codon.
Molecular consequence: nonsense.
Genome position (GRCh38, 1-based): chr2:73,385,872, G>T. VCF-style: chr2-73385872-G-T. GRCh37 (hg19) VCF-style: chr2-73613000-G-T.
Other names: c.4G>T, p.Glu2Ter (NM_015120.4); short protein forms E2*.
Identifiers: ClinVar variation 2034212 (VCV002034212.4), dbSNP rs1670504473, ClinGen allele CA347250331.

ClinVar aggregate classification (germline): Pathogenic (1 of 4 stars; one submission).

Conditions:
Alstrom syndrome (ALMS). Identifiers: Orphanet 64, MedGen C0268425, MONDO:0008763, OMIM 203800.

Submission:

Labcorp Genetics (formerly Invitae), Labcorp
Classification: Pathogenic for Alstrom syndrome. Last evaluated: 2023-12-14. Review status: criteria provided, single submitter. Criteria: Invitae Variant Classification Sherloc (09022015). Collection method: clinical testing. Allele origin: germline.
Comment: This sequence change creates a premature translational stop signal (p.Glu2*) in the ALMS1 gene. It is expected to result in an absent or disrupted protein product. Loss-of-function variants in ALMS1 are known to be pathogenic (PMID: 17594715). This variant is not present in population databases (gnomAD no frequency). This variant has not been reported in the literature in individuals affected with ALMS1-related conditions. ClinVar contains an entry for this variant (Variation ID: 2034212). For these reasons, this variant has been classified as Pathogenic.

Literature cited by the submitters: PubMed 17594715.